The following is an entry in ClinVar:

ClinVar aggregate classification (germline): Likely pathogenic (1 of 4 stars; one submission).

Conditions:
TRAF7-related disorder. Also called: TRAF7-related condition.

Submission:

Rady Children's Institute for Genomic Medicine, Rady Children's Hospital San Diego
Classification: Likely pathogenic for TRAF7-related disorders. Last evaluated: 2024-04-09. Review status: criteria provided, single submitter. Criteria: ACMG Guidelines, 2015. Collection method: clinical testing. Allele origin: germline. Affected: yes.
Comment: Missense variants in the TRAF7 gene are reported individuals with TRAPF7-related disorder (HGMD, ClinVar database; PMID: 32376980). The c.1850T>C (p.Phe617Ser) variant affects a highly conserved amino acid and is predicted by multiple in silico tools to have a deleterious effect on protein function. This variant has been previously reported as a de novo change in a patient with dysmorphic craniofacial features, skeletal and cardiac abnormalities, and anomalies of the upper respiratory tract (PMID: 32376980). Two different nucleotide changes, c.1849T>C and c.1851C>G, both leading to an amino acid change, p.Phe617Leu, have been previously reported as inherited or de novo in individuals with TRAF7-related disorder (PMID: 32376980). The c.1850T>C (p.Phe617Ser) variant is absent from the gnomAD v4 population database and thus is presumed to be rare. Analysis of the parental samples was negative for the variant, indicating this variant likely occurred as a de novo event. Based on the available evidence, c.1850T>C (p.Phe617Ser) is classified as Likely Pathogenic.

NM_032271.3(TRAF7):c.1850T>C (p.Phe617Ser)

Gene: TRAF7 (TNF receptor associated factor 7; plus strand). Cytogenetic location: 16p13.3.
Variant type: single nucleotide variant.
Coding change: c.1850T>C on transcript NM_032271.3 (MANE Select); coding-DNA position 1850, T replaced by C.
Protein change: p.Phe617Ser; replaces phenylalanine 617 with serine.
Molecular consequence: missense variant.
Genome position (GRCh38, 1-based): chr16:2,176,152, T>C. VCF-style: chr16-2176152-T-C. GRCh37 (hg19) VCF-style: chr16-2226153-T-C.
Other names: short protein forms F617S.
Identifiers: ClinVar variation 3773822 (VCV003773822.1).